The following is an entry in ClinVar:

ClinVar aggregate classification (germline): Conflicting classifications of pathogenicity. Review status: criteria provided, conflicting classifications (1 of 4 stars). 4 submissions from 4 submitters: Likely pathogenic (1); Uncertain significance (1). 2 of the submissions do not count toward it. Last evaluated 2024-10-14.

Conditions:
Hypothyroidism due to TSH receptor mutations. Also called: Hypothyroidism, congenital, nongoitrous, 1; TSH RESISTANCE; HYPOTHYROIDISM DUE TO UNRESPONSIVENESS TO THYROTROPIN; HYPOTHYROIDISM, CONGENITAL, DUE TO TSH RESISTANCE; HYPOTHYROIDISM, NONAUTOIMMUNE; THYROID-STIMULATING HORMONE, RESISTANCE TO. Identifiers: Orphanet 90673, MedGen C3493776, MONDO:0010142, OMIM 275200.

Allele frequency attached by ClinVar (database versions not stated): gnomAD 0.00001; TOPMed 0.00001; ExAC 0.00002.
gnomAD v4.1: 38 of 1,614,024 alleles (0.0024%); highest among the groups gnomAD compares: Middle Eastern, 0.016%; no homozygotes.

Submissions (4):

Women's Health and Genetics/Laboratory Corporation of America, LabCorp
Classification: Likely pathogenic for Hypothyroidism due to TSH receptor mutations. Last evaluated: 2024-10-14. Review status: criteria provided, single submitter. Criteria: LabCorp Variant Classification Summary - May 2015. Collection method: clinical testing. Allele origin: germline.
Comment: Variant summary: TSHR c.928C>T (p.Arg310Cys) results in a non-conservative amino acid change in the encoded protein sequence. Three of five in-silico tools predict a damaging effect of the variant on protein function. The variant allele was found at a frequency of 1.2e-05 in 251166 control chromosomes. c.928C>T has been reported in the literature in the homozygous stat in individuals affected with Hypothyroidism Due To TSH Receptor Mutations where it segregated with disease in at least one family (e.g. Cerquieria_2015, Nicoletti_209). These data indicate that the variant is likely to be associated with disease. At least one publication reports experimental evidence evaluating an impact on protein function. The most pronounced variant effect results in 25% of normal activity (Mueller_2009, Russo_2000). The following publications have been ascertained in the context of this evaluation (PMID: 25153578, 19583488, 19820021, 11095460). ClinVar contains an entry for this variant (Variation ID: 6456). Based on the evidence outlined above, the variant was classified as likely pathogenic.

GeneDx
Classification: Uncertain significance. Last evaluated: 2022-09-08. Review status: criteria provided, single submitter. Criteria: GeneDx Variant Classification Process June 2021. Collection method: clinical testing. Allele origin: germline. Affected: yes.
Comment: Identified in the heterozygous state in patients in the literature who had subclinical hypothyroidism, had autoimmune thyroiditis, or were unaffected (Russo et al., 2000; Nicoletti et al., 2009); Published functional studies demonstrate a damaging effect as the R310C variant reduces binding capacity and shows an inability to increase cAMP levels when stimulated (Russo et al., 2000; Mueller et al., 2009); This variant is associated with the following publications: (PMID: 24728327, 12933653, 20846293, 24845969, 19819720, 19583488, 11095460, 15466939, 34200080, 23154162, 15231707, 26229975, 19820021)

ITMI
No classification provided. Condition: AllHighlyPenetrant. Last evaluated: 2013-09-19. Review status: no classification provided. Collection method: reference population. Allele origin: germline. Not counted in ClinVar's aggregate classification.
Comment: Please see associated publication for description of ethnicities

OMIM
Classification: Pathogenic for HYPOTHYROIDISM, CONGENITAL, NONGOITROUS, 1. Last evaluated: 2000-11-01. Review status: no assertion criteria provided. Collection method: literature only. Allele origin: germline. Not counted in ClinVar's aggregate classification.

Literature cited by the submitters: PubMed 19820021 (cited by Women's Health and Genetics/Laboratory Corporation of America, LabCorp); PubMed 25153578 (cited by Women's Health and Genetics/Laboratory Corporation of America, LabCorp); PubMed 19583488 (cited by Women's Health and Genetics/Laboratory Corporation of America, LabCorp); PubMed 11095460 (cited by Women's Health and Genetics/Laboratory Corporation of America, LabCorp and OMIM); PubMed 24728327 (cited by ITMI).

NM_000369.5(TSHR):c.928C>T (p.Arg310Cys)

Genes: TSHR (thyroid stimulating hormone receptor; plus strand), TSHR-AS1 (TSHR antisense RNA 1; minus strand). Cytogenetic location: 14q31.1.
Variant type: single nucleotide variant.
Coding change: c.928C>T on transcript NM_000369.5 (MANE Select); coding-DNA position 928, C replaced by T.
Protein change: p.Arg310Cys; replaces arginine 310 with cysteine.
Molecular consequence: missense variant.
Genome position (GRCh38, 1-based): chr14:81,142,986, C>T. VCF-style: chr14-81142986-C-T. GRCh37 (hg19) VCF-style: chr14-81609330-C-T.
Other names: c.928C>T (NM_000369.2); short protein forms R310C.
Identifiers: ClinVar variation 6456 (VCV000006456.3), dbSNP rs121908882, ClinGen allele CA118266.